The following is an entry in ClinVar:

ClinVar aggregate classification (germline): Uncertain significance (1 of 4 stars; one submission).

gnomAD v4.1: 4 of 1,614,150 alleles (0.00025%); highest among the groups gnomAD compares: Non-Finnish European, 0.00025%; no homozygotes.

Submission:

Labcorp Genetics (formerly Invitae), Labcorp
Classification: Uncertain significance. Last evaluated: 2022-07-21. Review status: criteria provided, single submitter. Criteria: Invitae Variant Classification Sherloc (09022015). Collection method: clinical testing. Allele origin: germline.
Comment: In summary, the available evidence is currently insufficient to determine the role of this variant in disease. Therefore, it has been classified as a Variant of Uncertain Significance. Advanced modeling of protein sequence and biophysical properties (such as structural, functional, and spatial information, amino acid conservation, physicochemical variation, residue mobility, and thermodynamic stability) performed at Invitae indicates that this missense variant is not expected to disrupt COL9A1 protein function. This variant has not been reported in the literature in individuals affected with COL9A1-related conditions. This variant is not present in population databases (gnomAD no frequency). This sequence change replaces aspartic acid, which is acidic and polar, with valine, which is neutral and non-polar, at codon 566 of the COL9A1 protein (p.Asp566Val).

NM_001851.6(COL9A1):c.1697A>T (p.Asp566Val)

Gene: COL9A1 (collagen type IX alpha 1 chain; minus strand). Cytogenetic location: 6q13.
Variant type: single nucleotide variant.
Coding change: c.1697A>T on transcript NM_001851.6 (MANE Select); coding-DNA position 1697, A replaced by T.
Protein change: p.Asp566Val; replaces aspartic acid 566 with valine.
Molecular consequence: missense variant. On other transcripts: non-coding transcript variant (1).
Genome position (GRCh38, 1-based): chr6:70,254,498, T>A on the plus strand (A>T on the coding strand, the complement: COL9A1 is on the minus strand). VCF-style: chr6-70254498-T-A. GRCh37 (hg19) VCF-style: chr6-70964201-T-A.
Other names: c.998A>T, p.Asp333Val (NM_001377289.1); c.968A>T, p.Asp323Val (NM_001377290.1, NM_078485.4); short protein forms D323V, D333V, D566V.
Identifiers: ClinVar variation 1719538 (VCV001719538.5), dbSNP rs768347488, ClinGen allele CA364677594.
Genomic context (GRCh38, chr6:70,254,498, plus strand): 5'-ATATAAACCAATTAACATGTAAAGAATCAAATACTTACTGGTAACCCCTGCAATCCTGCA[T>A]CACCAGGAGGCCCAGGTTTTCCTGGTTCACCCTGCAAAAAAAGCTTTTATCACATGATTG-3'
Protein context (NP_001842.3, residues 556-576): GEPGKPGPPG[Asp566Val]AGLQGLPGVP